The following is an entry in ClinVar:

ClinVar aggregate classification (germline): Pathogenic (1 of 4 stars; one submission).

Conditions:
Tuberous sclerosis 1 (TSC1). Identifiers: Orphanet 805, MedGen C1854465, MONDO:0008612, OMIM 191100.

Submission:

Labcorp Genetics (formerly Invitae), Labcorp
Classification: Pathogenic for Tuberous sclerosis 1. Last evaluated: 2024-06-24. Review status: criteria provided, single submitter. Criteria: Invitae Variant Classification Sherloc (09022015). Collection method: clinical testing. Allele origin: germline.
Comment: This sequence change creates a premature translational stop signal (p.Ser331Valfs*7) in the TSC1 gene. It is expected to result in an absent or disrupted protein product. Loss-of-function variants in TSC1 are known to be pathogenic (PMID: 10227394, 17304050). This variant is not present in population databases (gnomAD no frequency). This variant has not been reported in the literature in individuals affected with TSC1-related conditions. For these reasons, this variant has been classified as Pathogenic.

Literature cited by the submitters: PubMed 10227394; PubMed 17304050.

NM_000368.5(TSC1):c.990del (p.Ser331fs)

Gene: TSC1 (TSC complex subunit 1; minus strand). Cytogenetic location: 9q34.13.
Variant type: Deletion.
Coding change: c.990del on transcript NM_000368.5 (MANE Select); coding-DNA position 990, one base deleted (G; older notation c.990delG).
Protein change: p.Ser331fs; shifts the reading frame from serine 331.
Molecular consequence: frameshift variant. On other transcripts: non-coding transcript variant (5), 5 prime UTR variant (2).
Genome position (GRCh38, 1-based): chr9:132,911,492, C deleted on the plus strand (G on the coding strand, the reverse complement: TSC1 is on the minus strand). VCF-style (leftmost placement, unchanged base first): chr9-132911491-TC-T. GRCh37 (hg19) VCF-style: chr9-135786878-TC-T.
Other names: c.990del, p.Ser331fs (NM_001162426.2, NM_001406592.1, NM_001406593.1 and 16 more transcripts); c.837del, p.Ser280fs (NM_001162427.2, NM_001406610.1, NM_001406611.1 and 2 more transcripts); c.627del, p.Ser210fs (NM_001362177.2, NM_001406614.1, NM_001406615.1 and 10 more transcripts); c.39del, p.Ser14fs (NM_001406626.1, NM_001406627.1, NM_001406628.1); c.-104del (NM_001406629.1, NM_001406630.1); short protein forms S14fs, S280fs, S210fs, S331fs.
Identifiers: ClinVar variation 3657609 (VCV003657609.2).
Genomic context (GRCh38, chr9:132,911,491, plus strand): 5'-GGCACACTAGTTGACACCATACTTGTGGTGGTTCAGTTATCAGCCGTGTCGATGGGGAAC[TC>T]AGAGTCTGAGGTAGCTGCCCTGGCATATTTAACAACATCAGCCGAGACGTGGAGTAAGGG-3'